The following is an entry in ClinVar:

NM_152618.3(BBS12):c.1175C>G (p.Ser392Ter)

Gene: BBS12 (Bardet-Biedl syndrome 12; plus strand). Cytogenetic location: 4q27.
Variant type: single nucleotide variant.
Coding change: c.1175C>G on transcript NM_152618.3 (MANE Select); coding-DNA position 1175, C replaced by G.
Protein change: p.Ser392Ter; replaces serine 392 with a stop codon.
Molecular consequence: nonsense.
Genome position (GRCh38, 1-based): chr4:122,743,067, C>G. VCF-style: chr4-122743067-C-G. GRCh37 (hg19) VCF-style: chr4-123664222-C-G.
Other names: c.1175C>G, p.Ser392Ter (NM_001178007.2); short protein forms S392*.
Identifiers: ClinVar variation 1310095 (VCV001310095.13), dbSNP rs747159816, ClinGen allele CA105249199.

ClinVar aggregate classification (germline): Conflicting classifications of pathogenicity. Review status: criteria provided, conflicting classifications (1 of 4 stars). 6 submissions from 6 submitters: Pathogenic (2); Likely pathogenic (2); Uncertain significance (1). 1 of the submissions does not count toward it. Last evaluated 2025-02-16.

Conditions:
BBS12-related disorder. Also called: BBS12-related condition.
Bardet-Biedl syndrome (BBS). Identifiers: Orphanet 110, MedGen C0752166, MONDO:0015229.
Bardet-Biedl syndrome 12 (BBS12). Identifiers: Orphanet 110, MedGen C1859570, MONDO:0014440, OMIM 615989.

gnomAD v4.1: 5 of 1,614,112 alleles (0.00031%); highest among the groups gnomAD compares: African/African-American, 0.004%; no homozygotes.

Submissions (6):

Laboratory of Genetics, Children's Clinical University Hospital Latvia
Classification: Pathogenic. Last evaluated: 2025-02-16. Review status: criteria provided, single submitter. Criteria: ACMG Guidelines, 2015. Collection method: clinical testing. Allele origin: germline. Affected: yes.

Fulgent Genetics
Classification: Likely pathogenic for Bardet-Biedl syndrome 12. Last evaluated: 2024-04-26. Review status: criteria provided, single submitter. Criteria: ACMG Guidelines, 2015. Collection method: clinical testing. Allele origin: germline.

Baylor Genetics
Classification: Likely pathogenic for Bardet-Biedl syndrome 12. Last evaluated: 2023-09-25. Review status: criteria provided, single submitter. Criteria: ACMG Guidelines, 2015. Collection method: clinical testing. Allele origin: unknown.

Labcorp Genetics (formerly Invitae), Labcorp
Classification: Pathogenic for Bardet-Biedl syndrome. Last evaluated: 2023-05-19. Review status: criteria provided, single submitter. Criteria: Invitae Variant Classification Sherloc (09022015). Collection method: clinical testing. Allele origin: germline.
Comment: For these reasons, this variant has been classified as Pathogenic. This variant disrupts a region of the BBS12 protein in which other variant(s) (p.Asp687Valfs*3) have been determined to be pathogenic (Invitae). This suggests that this is a clinically significant region of the protein, and that variants that disrupt it are likely to be disease-causing. ClinVar contains an entry for this variant (Variation ID: 1310095). This variant has not been reported in the literature in individuals affected with BBS12-related conditions. This variant is present in population databases (no rsID available, gnomAD 0.02%). This sequence change creates a premature translational stop signal (p.Ser392*) in the BBS12 gene. While this is not anticipated to result in nonsense mediated decay, it is expected to disrupt the last 319 amino acid(s) of the BBS12 protein.

GeneDx
Classification: Uncertain significance. Last evaluated: 2019-11-22. Review status: criteria provided, single submitter. Criteria: GeneDx Variant Classification Process June 2021. Collection method: clinical testing. Allele origin: germline. Affected: yes.
Comment: Nonsense variant in the C-terminus predicted to result in protein truncation, as the last 319 amino acids are lost, and other loss-of-function variants have been reported downstream in the Human Gene Mutation Database (Stenson et al., 2014); Has not been previously published as pathogenic or benign to our knowledge

PreventionGenetics, part of Exact Sciences
Classification: Likely pathogenic for BBS12-related condition. Last evaluated: 2024-08-09. Review status: no assertion criteria provided. Collection method: clinical testing. Allele origin: germline. Not counted in ClinVar's aggregate classification.
Comment: The BBS12 c.1175C>G variant is predicted to result in premature protein termination (p.Ser392*). To our knowledge, this variant has not been reported in individuals with BBS12-related disease. This variant is reported in 0.0080% of alleles in individuals of African descent in gnomAD. Nonsense variants in BBS12 are expected to be pathogenic, and several disease-associated examples exist both up- and downstream of this variant. This variant is interpreted as likely pathogenic.